The following is an entry in ClinVar:

NM_001042492.3(NF1):c.5609+1G>T

Gene: NF1 (neurofibromin 1; plus strand). Cytogenetic location: 17q11.2.
Variant type: single nucleotide variant.
Coding change: c.5609+1G>T on transcript NM_001042492.3 (MANE Select); the canonical splice donor site of the intron after coding-DNA position 5609, G replaced by T.
Molecular consequence: splice donor variant.
Genome position (GRCh38, 1-based): chr17:31,327,840, G>T. VCF-style: chr17-31327840-G-T. GRCh37 (hg19) VCF-style: chr17-29654858-G-T.
Other names: NC_000017.10:g.29654858G>T; c.5546+1G>T (NM_000267.4).
Identifiers: ClinVar variation 1048749 (VCV001048749.12), dbSNP rs1131691117, ClinGen allele CA399010079.

ClinVar aggregate classification (germline): Pathogenic. Review status: criteria provided, multiple submitters, no conflicts (2 of 4 stars). 4 submissions from 4 submitters: Pathogenic (3). 1 of the submissions does not count toward it. Last evaluated 2025-09-25.

Conditions:
Neurofibromatosis, type 1 (NF1). Also called: Peripheral type neurofibromatosis; Neurofibromatosis, type I; VON RECKLINGHAUSEN DISEASE; NEUROFIBROMATOSIS, TYPE I, SOMATIC. Identifiers: Orphanet 636, MedGen C0027831, MONDO:0018975, OMIM 162200. Disease mechanism: loss of function.

Submissions (5):

NHS Central & South Genomic Laboratory Hub
Classification: Pathogenic for Neurofibromatosis type 1. Last evaluated: 2025-09-25. Review status: criteria provided, single submitter. Criteria: ACMG Guidelines, 2015. Collection method: clinical testing. Allele origin: germline. Affected: yes.

CeGaT Center for Human Genetics Tuebingen
Classification: Pathogenic. Last evaluated: 2025-07-01. Review status: criteria provided, single submitter. Criteria: CeGaT Center For Human Genetics Tuebingen Variant Classification Criteria Version 2. Collection method: clinical testing. Allele origin: germline. Affected: yes. Observed: 1 variant allele.
Comment: NF1: PVS1, PM2, PM6, PS4:Supporting

Mendelics
Classification: Pathogenic for Neurofibromatosis, type 1. Last evaluated: 2022-05-04. Review status: criteria provided, single submitter. Criteria: Mendelics Assertion Criteria 2019. Collection method: clinical testing. Allele origin: germline.

Laboratory of Medical Genetics, National & Kapodistrian University of Athens
Classification: Pathogenic for Neurofibromatosis, type 1. Last evaluated: 2020-01-01. Review status: no assertion criteria provided. Collection method: clinical testing. Allele origin: germline. Affected: yes. Not counted in ClinVar's aggregate classification.

Dr. Peter K. Rogan Lab, Western University
No classification provided (evidence only). Condition: Lung cancer. Review status: no classification provided. Collection method: in vitro. Allele origin: not applicable. Functional consequence: skipped exon, retained intron. Not counted in ClinVar's aggregate classification.